The following is an entry in ClinVar:

NM_000260.4(MYO7A):c.875G>A (p.Arg292Gln)

Gene: MYO7A (myosin VIIA; plus strand). Cytogenetic location: 11q13.5.
Variant type: single nucleotide variant.
Coding change: c.875G>A on transcript NM_000260.4 (MANE Select); coding-DNA position 875, G replaced by A.
Protein change: p.Arg292Gln; replaces arginine 292 with glutamine.
Molecular consequence: missense variant.
Genome position (GRCh38, 1-based): chr11:77,158,302, G>A. VCF-style: chr11-77158302-G-A. GRCh37 (hg19) VCF-style: chr11-76869348-G-A.
Other names: c.875G>A, p.Arg292Gln (NM_001127180.2); c.842G>A, p.Arg281Gln (NM_001369365.1); short protein forms R292Q, R281Q.
Identifiers: ClinVar variation 749269 (VCV000749269.15), dbSNP rs535205981, ClinGen allele CA6197290.

ClinVar aggregate classification (germline): Conflicting classifications of pathogenicity. Review status: criteria provided, conflicting classifications (1 of 4 stars). 4 submissions from 4 submitters: Uncertain significance (1); Likely benign (2). 1 of the submissions does not count toward it. Last evaluated 2025-11-24.

Conditions:
MYO7A-related disorder. Also called: MYO7A-related disorders.
Usher syndrome type 1B (USH1B). Also called: Usher syndrome type IB. Identifiers: MedGen C1848638, MONDO:0700087.

Allele frequency attached by ClinVar (database versions not stated): gnomAD 0.00001 and 0.00012; TOPMed 0.00002; gnomAD exomes 0.00011 and 0.00022; ExAC 0.00034; 1000 Genomes Project 30x 0.00109; 1000 Genomes Project 0.00120.
gnomAD v4.1: 176 of 1,609,344 alleles (0.011%); highest among the groups gnomAD compares: South Asian, 0.18%; 4 homozygotes.

Submissions (4):

PreventionGenetics, part of Exact Sciences
Classification: Likely benign for MYO7A-related condition. Last evaluated: 2025-11-24. Review status: criteria provided, single submitter. Criteria: ACMG Guidelines, 2015. Collection method: clinical testing. Allele origin: germline.
Comment: This variant is classified as likely benign based on ACMG/AMP sequence variant interpretation guidelines (Richards et al. 2015 PMID: 25741868, with internal and published modifications).

Labcorp Genetics (formerly Invitae), Labcorp
Classification: Likely benign. Last evaluated: 2025-11-03. Review status: criteria provided, single submitter. Criteria: Invitae Variant Classification Sherloc (09022015). Collection method: clinical testing. Allele origin: germline.

GeneDx
Classification: Uncertain significance. Last evaluated: 2025-08-15. Review status: criteria provided, single submitter. Criteria: GeneDx Variant Classification Process June 2021. Collection method: clinical testing. Allele origin: germline.
Comment: In silico analysis supports that this missense variant has a deleterious effect on protein structure/function; Has not been previously published as pathogenic or benign to our knowledge

Natera, Inc.
Classification: Uncertain significance for Usher syndrome type 1B. Last evaluated: 2020-01-24. Review status: no assertion criteria provided. Collection method: clinical testing. Allele origin: germline. Not counted in ClinVar's aggregate classification.